The following is an entry in ClinVar:

ClinVar aggregate classification (germline): Conflicting classifications of pathogenicity. Review status: criteria provided, conflicting classifications (1 of 4 stars). 3 submissions from 3 submitters: Uncertain significance (2); Likely benign (1). Last evaluated 2025-10-01.

Conditions:
Multiple congenital anomalies-hypotonia-seizures syndrome 1 (MCAHS1). Also called: GLYCOSYLPHOSPHATIDYLINOSITOL BIOSYNTHESIS DEFECT 3; PIGN-CDG; Congenital disorder of glycosylation due to PIGN deficiency. Identifiers: Orphanet 280633, MedGen C3279775, MONDO:0013563, OMIM 614080.
Inborn genetic diseases. Identifiers: MedGen C0950123, MeSH D030342.

Allele frequency attached by ClinVar (database versions not stated): gnomAD 0.00013; ESP Exome Variant Server 0.00008; 1000 Genomes Project 0.00020; TOPMed 0.00008; 1000 Genomes Project 30x 0.00016.
gnomAD v4.1: 180 of 1,605,154 alleles (0.011%); highest among the groups gnomAD compares: Non-Finnish European, 0.0081%; no homozygotes.

Submissions (3):

Labcorp Genetics (formerly Invitae), Labcorp
Classification: Likely benign for Multiple congenital anomalies-hypotonia-seizures syndrome 1. Last evaluated: 2025-10-01. Review status: criteria provided, single submitter. Criteria: Invitae Variant Classification Sherloc (09022015). Collection method: clinical testing. Allele origin: germline.

Ambry Genetics
Classification: Uncertain significance for Inborn genetic diseases. Last evaluated: 2020-11-04. Review status: criteria provided, single submitter. Criteria: Ambry Variant Classification Scheme 2023. Collection method: clinical testing. Allele origin: germline.
Comment: The c.1428A>T (p.E476D) alteration is located in exon 16 (coding exon 13) of the PIGN gene. This alteration results from an A to T substitution at nucleotide position 1428, causing the glutamic acid (E) at amino acid position 476 to be replaced by an aspartic acid (D). Based on data from the Genome Aggregation Database (gnomAD) database, the PIGN c.1428A>T alteration was observed in 0.02% (52/268304) of total alleles studied, with a frequency of 0.22% (22/10064) in the Ashkenazi Jewish subpopulation. This amino acid position is not well conserved in available vertebrate species. The p.E476D alteration is predicted to be tolerated by in silico analysis. Based on insufficient or conflicting evidence, the clinical significance of this alteration remains unclear.

GeneDx
Classification: Uncertain significance. Last evaluated: 2019-09-18. Review status: criteria provided, single submitter. Criteria: GeneDx Variant Classification Process June 2021. Collection method: clinical testing. Allele origin: germline. Affected: yes.
Comment: In silico analysis, which includes protein predictors and evolutionary conservation, supports that this variant does not alter protein structure/function; Has not been previously published as pathogenic or benign to our knowledge

NM_176787.5(PIGN):c.1428A>T (p.Glu476Asp)

Gene: PIGN (phosphatidylinositol glycan anchor biosynthesis class N; minus strand). Cytogenetic location: 18q21.33.
Variant type: single nucleotide variant.
Coding change: c.1428A>T on transcript NM_176787.5 (MANE Select); coding-DNA position 1428, A replaced by T.
Protein change: p.Glu476Asp; replaces glutamic acid 476 with aspartic acid.
Molecular consequence: missense variant.
Genome position (GRCh38, 1-based): chr18:62,113,140, T>A on the plus strand (A>T on the coding strand, the complement: PIGN is on the minus strand). VCF-style: chr18-62113140-T-A. GRCh37 (hg19) VCF-style: chr18-59780373-T-A.
Other names: c.1428A>T, p.Glu476Asp (NM_012327.6); short protein forms E476D.
Identifiers: ClinVar variation 539552 (VCV000539552.14), dbSNP rs182470608, ClinGen allele CA8982301.
Genomic context (GRCh38, chr18:62,113,140, plus strand): 5'-TCAGTACTAGTGATTTTATACCATCATCTGAATCCTCACATTTTCTAAACGTACCTTCAC[T>A]TCTTTACTAACACCTTTTATAAGGTTGGAATGAGACTTGATGATCAACAAAGAGGCATAA-3'
Protein context (NP_789744.1, residues 466-486): HSNLIKGVSK[Glu476Asp]VKKPSHLLPC